The following is an entry in ClinVar:

ClinVar aggregate classification (germline): Likely benign (0 of 4 stars; one submission).

Conditions:
MEF2A-related disorder. Also called: MEF2A-related condition.

Allele frequency attached by ClinVar (database versions not stated): ExAC 0.00104.
gnomAD v4.1: 647 of 1,518,166 alleles (0.043%); highest among the groups gnomAD compares: African/African-American, 0.17%; no homozygotes.

Submission:

PreventionGenetics, part of Exact Sciences
Classification: Likely benign for MEF2A-related condition. Last evaluated: 2019-07-25. Review status: no assertion criteria provided. Collection method: clinical testing. Allele origin: germline.
Comment: This variant is classified as likely benign based on ACMG/AMP sequence variant interpretation guidelines (Richards et al. 2015 PMID: 25741868, with internal and published modifications).

NM_001319206.4(MEF2A):c.1286C>A (p.Pro429Gln)

Gene: MEF2A (myocyte enhancer factor 2A; plus strand). Cytogenetic location: 15q26.3.
Variant type: single nucleotide variant.
Coding change: c.1286C>A on transcript NM_001319206.4 (MANE Select); coding-DNA position 1286, C replaced by A.
Protein change: p.Pro429Gln; replaces proline 429 with glutamine.
Molecular consequence: missense variant.
Genome position (GRCh38, 1-based): chr15:99,712,539, C>A. VCF-style: chr15-99712539-C-A. GRCh37 (hg19) VCF-style: chr15-100252744-C-A.
Other names: c.1262C>A, p.Pro421Gln (NM_001130926.5, NM_001171894.5, NM_001352614.4 and 15 more transcripts); c.1082C>A, p.Pro361Gln (NM_001130927.5, NM_001365209.3); c.1058C>A, p.Pro353Gln (NM_001130928.4, NM_001393559.2); c.1286C>A, p.Pro429Gln (NM_001352616.4, NM_001365205.3, NM_001400031.1 and 5 more transcripts); c.1268C>A, p.Pro423Gln (NM_001352617.4, NM_001365207.3, NM_001400038.1 and 8 more transcripts); c.1280C>A, p.Pro427Gln (NM_001352618.4, NM_001365206.3, NM_001400037.1); c.1304C>A, p.Pro435Gln (NM_001365201.3, NM_001365202.3); c.1292C>A, p.Pro431Gln (NM_001365203.3, NM_001365204.3, NM_001400029.1 and 1 more transcripts); and 6 more; short protein forms P153Q, P309Q, P316Q, P353Q, P355Q, P361Q, P363Q, P421Q.
Identifiers: ClinVar variation 3044407 (VCV003044407.2), dbSNP rs778791945, ClinGen allele CA7755678.